The following is an entry in ClinVar:

ClinVar aggregate classification (germline): Benign/Likely benign. Review status: criteria provided, multiple submitters, no conflicts (2 of 4 stars). 2 submissions from 2 submitters: Benign (1); Likely benign (1). Last evaluated 2024-08-02.

Conditions:
Juvenile polyposis syndrome (JPS). Identifiers: Orphanet 2929, MedGen C0345893, MONDO:0017380, OMIM 174900.
Hereditary cancer-predisposing syndrome. Also called: Neoplastic Syndromes, Hereditary; Tumor predisposition; Hereditary neoplastic syndrome; Hereditary Cancer Syndrome. Identifiers: Orphanet 140162, MedGen C0027672, MeSH D009386, MONDO:0015356.

Submissions (2):

Myriad Genetics, Inc.
Classification: Benign for Juvenile polyposis syndrome. Last evaluated: 2024-08-02. Review status: criteria provided, single submitter. Criteria: Myriad Autosomal Dominant, Autosomal Recessive and X-Linked Classification Criteria (2023). Collection method: clinical testing. Allele origin: unknown.
Comment: This variant is considered benign. This variant is a silent/synonymous amino acid change and it is not expected to impact splicing.

Ambry Genetics
Classification: Likely benign for Hereditary cancer-predisposing syndrome. Last evaluated: 2020-03-16. Review status: criteria provided, single submitter. Criteria: Ambry Variant Classification Scheme 2023. Collection method: clinical testing. Allele origin: germline.

NM_004329.3(BMPR1A):c.663A>G (p.Gly221=)

Gene: BMPR1A (bone morphogenetic protein receptor type 1A; plus strand). Cytogenetic location: 10q23.2.
Variant type: single nucleotide variant.
Coding change: c.663A>G on transcript NM_004329.3 (MANE Select); coding-DNA position 663, A replaced by G.
Protein change: p.Gly221=; no amino-acid change (glycine 221 retained).
Molecular consequence: synonymous variant. On other transcripts: non-coding transcript variant (3), intron variant (1).
Genome position (GRCh38, 1-based): chr10:86,912,372, A>G. VCF-style: chr10-86912372-A-G. GRCh37 (hg19) VCF-style: chr10-88672129-A-G.
Other names: c.738A>G, p.Gly246= (NM_001406559.1); c.711A>G, p.Gly237= (NM_001406560.1); c.663A>G, p.Gly221= (NM_001406561.1, NM_001406562.1, NM_001406563.1 and 20 more transcripts); c.579A>G, p.Gly193= (NM_001406584.1, NM_001406585.1, NM_001406586.1 and 2 more transcripts); c.334-4762A>G (NM_001406589.1).
Identifiers: ClinVar variation 1754608 (VCV001754608.3), dbSNP rs1462920023, ClinGen allele CA470307747.
Genomic context (GRCh38, chr10:86,912,372, plus strand): 5'-AGTTGGAGAATCACTAAAAGACCTTATTGACCAGTCACAAAGTTCTGGTAGTGGGTCTGG[A>G]CTACCTTTATTGGTAAGTTAAACGTTCCTATAGACATGAATGGTGTGTTGATTTAGAATG-3'
Protein context (NP_004320.2, residues 211-231): DQSQSSGSGS[Gly221=]LPLLVQRTIA